The following is an entry in ClinVar:

ClinVar aggregate classification (germline): Likely pathogenic. Review status: criteria provided, multiple submitters, no conflicts (2 of 4 stars). 2 submissions from 2 submitters: Likely pathogenic (2). Last evaluated 2025-07-02.

Conditions:
Cardiovascular phenotype. Identifiers: MedGen CN230736.

Submissions (2):

GeneDx
Classification: Likely pathogenic. Last evaluated: 2025-07-02. Review status: criteria provided, single submitter. Criteria: GeneDx Variant Classification Process June 2021. Collection method: clinical testing. Allele origin: germline. Affected: yes.
Comment: Nonsense variant predicted to result in protein truncation or nonsense mediated decay in a gene for which loss of function is a known mechanism of disease; Not observed at significant frequency in large population cohorts (gnomAD); Has not been previously published as pathogenic or benign to our knowledge; This variant is associated with the following publications: (PMID: 22335739, 32778822)

Ambry Genetics
Classification: Likely pathogenic for Cardiovascular phenotype. Last evaluated: 2024-05-07. Review status: criteria provided, single submitter. Criteria: Ambry Variant Classification Scheme 2023. Collection method: clinical testing. Allele origin: germline.
Comment: The c.37003_37007dupGGCTA variant, located in coding exon 135 of the TTN gene, results from a duplication of GGCTA at nucleotide position 37003, causing a translational frameshift with a predicted alternate stop codon (p.Y12336*). This exon is located in the A-band region of the N2-B isoform of the titin protein and is constitutively expressed in TTN transcripts (percent spliced in or PSI 100%). This alteration is expected to result in loss of function by premature protein truncation or nonsense-mediated mRNA decay. While truncating variants in TTN are present in 1-3% of the general population, truncating variants in the A-band are the most common cause of dilated cardiomyopathy (DCM) (Herman DS et al. N. Engl. J. Med., 2012 Feb;366:619-28; Roberts AM et al. Sci Transl Med, 2015 Jan;7:270ra6). TTN truncating variants encoded in constitutive exons (PSI >90%) have been found to be significantly associated with DCM regardless of their position in titin (Schafer S et al. Nat. Genet., 2017 01;49:46-53). This variant is considered to be rare based on population cohorts in the Genome Aggregation Database (gnomAD). Based on the majority of available evidence to date, this variant is likely to be pathogenic.

NM_001267550.2(TTN):c.64198_64202dup (p.Tyr21401Ter)

Genes: TTN (titin; minus strand), TTN-AS1 (TTN antisense RNA 1; plus strand). Cytogenetic location: 2q31.2.
Variant type: Duplication.
Coding change: c.64198_64202dup on transcript NM_001267550.2 (MANE Select); coding-DNA positions 64198 to 64202, 5 bases duplicated (GGCTA; older notation c.64198_64202dupGGCTA).
Protein change: p.Tyr21401Ter; replaces tyrosine 21401 with a stop codon.
Molecular consequence: nonsense.
Genome position (GRCh38, 1-based): chr2:178,586,699-178,586,703, TAGCC duplicated on the plus strand (GGCTA on the coding strand, the reverse complement: TTN is on the minus strand). VCF-style (leftmost placement, unchanged base first): chr2-178586698-G-GTAGCC. GRCh37 (hg19) VCF-style: chr2-179451425-G-GTAGCC.
Other names: c.37003_37007dupGGCTA (NM_003319.4); c.59275_59279dup, p.Tyr19760Ter (NM_001256850.1); c.37003_37007dup, p.Tyr12336Ter (NM_003319.4); c.56494_56498dup, p.Tyr18833Ter (NM_133378.4); c.37378_37382dup, p.Tyr12461Ter (NM_133432.3); c.37579_37583dup, p.Tyr12528Ter (NM_133437.4); short protein forms Y12336*, Y19760*, Y21401*, Y12461*, Y12528*, Y18833*.
Identifiers: ClinVar variation 3330088 (VCV003330088.2).